The following is an entry in ClinVar:

NM_001365999.1(SZT2):c.6623T>C (p.Val2208Ala)

Gene: SZT2 (SZT2 subunit of KICSTOR complex; plus strand). Cytogenetic location: 1p34.2.
Variant type: single nucleotide variant.
Coding change: c.6623T>C on transcript NM_001365999.1 (MANE Select); coding-DNA position 6623, T replaced by C.
Protein change: p.Val2208Ala; replaces valine 2208 with alanine.
Molecular consequence: missense variant.
Genome position (GRCh38, 1-based): chr1:43,438,813, T>C. VCF-style: chr1-43438813-T-C. GRCh37 (hg19) VCF-style: chr1-43904484-T-C.
Other names: c.6452T>C, p.Val2151Ala (NM_015284.4); short protein forms V2151A, V2208A.
Identifiers: ClinVar variation 847534 (VCV000847534.9), dbSNP rs780228990, ClinGen allele CA809953.
Genomic context (GRCh38, chr1:43,438,813, plus strand): 5'-CCACGCTGGACGTCATCACAGTTATGCTTGTTCGGAACTGCAAGCTGACACCAGCTGATG[T>C]GGAGGTCAGCTCCCCTCTAGGCACCAGCATCCTTCCCAGACTCAGCCACAGGTTCCAGGA-3'
Protein context (NP_001352928.1, residues 2198-2218): VRNCKLTPAD[Val2208Ala]EFIQPPGSLP

ClinVar aggregate classification (germline): Uncertain significance (1 of 4 stars; one submission).

Allele frequency attached by ClinVar (database versions not stated): gnomAD exomes below 0.00001; ExAC 0.00001; TOPMed 0.00001; gnomAD 0.00002 and 0.00003.
gnomAD v4.1: 4 of 1,613,224 alleles (0.00025%); highest among the groups gnomAD compares: African/African-American, 0.004%; no homozygotes.

Submission:

Labcorp Genetics (formerly Invitae), Labcorp
Classification: Uncertain significance. Last evaluated: 2019-12-03. Review status: criteria provided, single submitter. Criteria: Invitae Variant Classification Sherloc (09022015). Collection method: clinical testing. Allele origin: germline.
Comment: In summary, the available evidence is currently insufficient to determine the role of this variant in disease. Therefore, it has been classified as a Variant of Uncertain Significance. Algorithms developed to predict the effect of missense changes on protein structure and function (SIFT, PolyPhen-2, Align-GVGD) all suggest that this variant is likely to be disruptive, but these predictions have not been confirmed by published functional studies and their clinical significance is uncertain. This variant has not been reported in the literature in individuals with SZT2-related conditions. This variant is present in population databases (rs780228990, ExAC 0.01%). This sequence change replaces valine with alanine at codon 2151 of the SZT2 protein (p.Val2151Ala). The valine residue is highly conserved and there is a small physicochemical difference between valine and alanine.